The following is an entry in ClinVar:

NM_001267550.2(TTN):c.1312G>A (p.Val438Met)

Gene: TTN (titin; minus strand). Cytogenetic location: 2q31.2.
Variant type: single nucleotide variant.
Coding change: c.1312G>A on transcript NM_001267550.2 (MANE Select); coding-DNA position 1312, G replaced by A.
Protein change: p.Val438Met; replaces valine 438 with methionine.
Molecular consequence: missense variant.
Genome position (GRCh38, 1-based): chr2:178,794,485, C>T on the plus strand (G>A on the coding strand, the complement: TTN is on the minus strand). VCF-style: chr2-178794485-C-T. GRCh37 (hg19) VCF-style: chr2-179659212-C-T.
Other names: c.1312G>A, p.Val438Met (NM_133378.4, NM_001256850.1, NM_003319.4 and 3 more transcripts); short protein forms V438M.
Identifiers: ClinVar variation 179332 (VCV000179332.5), dbSNP rs727504795, ClinGen allele CA184215.

ClinVar aggregate classification (germline): Uncertain significance (1 of 4 stars; one submission).

Allele frequency attached by ClinVar (database versions not stated): gnomAD exomes below 0.00001.
gnomAD v4.1: 2 of 1,614,088 alleles (0.00012%); highest among the groups gnomAD compares: Non-Finnish European, 0.00017%; no homozygotes.

Submission:

Laboratory for Molecular Medicine, Mass General Brigham Personalized Medicine
Classification: Uncertain significance. Last evaluated: 2013-10-21. Review status: criteria provided, single submitter. Criteria: LMM Criteria. Collection method: clinical testing. Allele origin: germline. Observed: 1 variant allele.
Comment: The Val438Met variant in TTN previously reported in individuals with cardiomyopa thy or in large population studies. Computational analyses (biochemical amino ac id properties, conservation, AlignGVGD, PolyPhen2, and SIFT) do not provide stro ng support for or against an impact to the protein. Additional information is ne eded to fully assess the clinical significance of this variant.